The following is an entry in ClinVar:

NM_001042492.3(NF1):c.2981A>G (p.Asn994Ser)

Gene: NF1 (neurofibromin 1; plus strand). Cytogenetic location: 17q11.2.
Variant type: single nucleotide variant.
Coding change: c.2981A>G on transcript NM_001042492.3 (MANE Select); coding-DNA position 2981, A replaced by G.
Protein change: p.Asn994Ser; replaces asparagine 994 with serine.
Molecular consequence: missense variant.
Genome position (GRCh38, 1-based): chr17:31,229,965, A>G. VCF-style: chr17-31229965-A-G. GRCh37 (hg19) VCF-style: chr17-29556983-A-G.
Other names: c.2981A>G, p.Asn994Ser (NM_000267.4); short protein forms N994S.
Identifiers: ClinVar variation 941297 (VCV000941297.9), dbSNP rs2067085209, ClinGen allele CA398986427.

ClinVar aggregate classification (germline): Uncertain significance. Review status: criteria provided, multiple submitters, no conflicts (2 of 4 stars). 2 submissions from 2 submitters: Uncertain significance (2). Last evaluated 2020-03-06.

Conditions:
Neurofibromatosis, type 1 (NF1). Also called: Peripheral type neurofibromatosis; VON RECKLINGHAUSEN DISEASE; Neurofibromatosis, type I; NEUROFIBROMATOSIS, TYPE I, SOMATIC. Identifiers: Orphanet 636, MedGen C0027831, MONDO:0018975, OMIM 162200. Disease mechanism: loss of function.
Hereditary cancer-predisposing syndrome. Also called: Tumor predisposition; Hereditary neoplastic syndrome; Neoplastic Syndromes, Hereditary; Hereditary Cancer Syndrome. Identifiers: Orphanet 140162, MedGen C0027672, MeSH D009386, MONDO:0015356.
Cardiovascular phenotype. Identifiers: MedGen CN230736.

Submissions (2):

Ambry Genetics
Classification: Uncertain significance for Cardiovascular phenotype; Hereditary cancer-predisposing syndrome. Last evaluated: 2020-03-06. Review status: criteria provided, single submitter. Criteria: Ambry Variant Classification Scheme 2023. Collection method: clinical testing. Allele origin: germline.
Comment: The p.N994S variant (also known as c.2981A>G), located in coding exon 22 of the NF1 gene, results from an A to G substitution at nucleotide position 2981. The asparagine at codon 994 is replaced by serine, an amino acid with highly similar properties. This amino acid position is highly conserved in available vertebrate species. In addition, this alteration is predicted to be tolerated by in silico analysis. Since supporting evidence is limited at this time, the clinical significance of this alteration remains unclear.

Labcorp Genetics (formerly Invitae), Labcorp
Classification: Uncertain significance for Neurofibromatosis, type 1. Last evaluated: 2019-07-23. Review status: criteria provided, single submitter. Criteria: Invitae Variant Classification Sherloc (09022015). Collection method: clinical testing. Allele origin: germline.
Comment: In summary, the available evidence is currently insufficient to determine the role of this variant in disease. Therefore, it has been classified as a Variant of Uncertain Significance. Algorithms developed to predict the effect of missense changes on protein structure and function are either unavailable or do not agree on the potential impact of this missense change (SIFT: "Tolerated"; PolyPhen-2: "Probably Damaging"; Align-GVGD: "Class C0"). This variant has not been reported in the literature in individuals with NF1-related conditions. This variant is not present in population databases (ExAC no frequency). This sequence change replaces asparagine with serine at codon 994 of the NF1 protein (p.Asn994Ser). The asparagine residue is moderately conserved and there is a small physicochemical difference between asparagine and serine.